The following is an entry in ClinVar:

NM_000465.4(BARD1):c.466T>C (p.Tyr156His)

Gene: BARD1 (BRCA1 associated RING domain 1; minus strand). Cytogenetic location: 2q35.
Variant type: single nucleotide variant.
Coding change: c.466T>C on transcript NM_000465.4 (MANE Select); coding-DNA position 466, T replaced by C.
Protein change: p.Tyr156His; replaces tyrosine 156 with histidine.
Molecular consequence: missense variant. On other transcripts: non-coding transcript variant (2), intron variant (3).
Genome position (GRCh38, 1-based): chr2:214,781,408, A>G on the plus strand (T>C on the coding strand, the complement: BARD1 is on the minus strand). VCF-style: chr2-214781408-A-G. GRCh37 (hg19) VCF-style: chr2-215646132-A-G.
Other names: c.409T>C, p.Tyr137His (NM_001282543.2); c.158+28004T>C (NM_001282548.2); c.215+15653T>C (NM_001282545.2); c.364+10889T>C (NM_001282549.2); short protein forms Y156H, Y137H.
Identifiers: ClinVar variation 654421 (VCV000654421.9), dbSNP rs1172089451, ClinGen allele CA350457620.

ClinVar aggregate classification (germline): Uncertain significance (1 of 4 stars; one submission).

Conditions:
Familial cancer of breast. Also called: Hereditary breast cancer; hereditary breast carcinoma; BREAST CANCER, FAMILIAL. Identifiers: Orphanet 227535, MedGen C0346153, MONDO:0016419, OMIM 114480. Disease mechanism: loss of function.

Submission:

Labcorp Genetics (formerly Invitae), Labcorp
Classification: Uncertain significance for Familial cancer of breast. Last evaluated: 2024-05-21. Review status: criteria provided, single submitter. Criteria: Invitae Variant Classification Sherloc (09022015). Collection method: clinical testing. Allele origin: germline.
Comment: This sequence change replaces tyrosine, which is neutral and polar, with histidine, which is basic and polar, at codon 156 of the BARD1 protein (p.Tyr156His). This variant is not present in population databases (gnomAD no frequency). This variant has not been reported in the literature in individuals affected with BARD1-related conditions. ClinVar contains an entry for this variant (Variation ID: 654421). An algorithm developed to predict the effect of missense changes on protein structure and function (PolyPhen-2) suggests that this variant is likely to be disruptive. In summary, the available evidence is currently insufficient to determine the role of this variant in disease. Therefore, it has been classified as a Variant of Uncertain Significance.